The following is an entry in ClinVar:

ClinVar aggregate classification (germline): Likely pathogenic (1 of 4 stars; one submission).

Conditions:
Cholestanol storage disease (CTX). Also called: Cerebrotendinous Xanthomatosis; CTX: Cerebrotendinous xanthomatosis; CEREBRAL CHOLESTERINOSIS. Identifiers: Orphanet 909, MedGen C0238052, MONDO:0008948, OMIM 213700.

Allele frequency attached by ClinVar (database versions not stated): gnomAD exomes below 0.00001.
gnomAD v4.1: 1 of 1,614,132 alleles (0.000062%); highest among the groups gnomAD compares: Non-Finnish European, 0.000085%; no homozygotes.

Submission:

Labcorp Genetics (formerly Invitae), Labcorp
Classification: Likely pathogenic for Cholestanol storage disease. Last evaluated: 2021-11-27. Review status: criteria provided, single submitter. Criteria: Invitae Variant Classification Sherloc (09022015). Collection method: clinical testing. Allele origin: germline.
Comment: In summary, the currently available evidence indicates that the variant is pathogenic, but additional data are needed to prove that conclusively. Therefore, this variant has been classified as Likely Pathogenic. This variant disrupts the C-terminus of the CYP27A1 protein. Other variant(s) that disrupt this region (p.Arg513His, p.Gln525*, p.Arg513Cys) have been observed in individuals with CYP27A1-related conditions (PMID: 21404287, 22878431, 28623566). This suggests that this may be a clinically significant region of the protein. Algorithms developed to predict the effect of sequence changes on RNA splicing suggest that this variant may create or strengthen a splice site. ClinVar contains an entry for this variant (Variation ID: 934497). This variant has not been reported in the literature in individuals affected with CYP27A1-related conditions. This variant is not present in population databases (gnomAD no frequency). This sequence change creates a premature translational stop signal (p.Gln487*) in the CYP27A1 gene. While this is not anticipated to result in nonsense mediated decay, it is expected to disrupt the last 45 amino acid(s) of the CYP27A1 protein.

Literature cited by the submitters: PubMed 21404287; PubMed 22878431; PubMed 28623566.

NM_000784.4(CYP27A1):c.1459C>T (p.Gln487Ter)

Gene: CYP27A1 (cytochrome P450 family 27 subfamily A member 1; plus strand). Cytogenetic location: 2q35.
Variant type: single nucleotide variant.
Coding change: c.1459C>T on transcript NM_000784.4 (MANE Select); coding-DNA position 1459, C replaced by T.
Protein change: p.Gln487Ter; replaces glutamine 487 with a stop codon.
Molecular consequence: nonsense.
Genome position (GRCh38, 1-based): chr2:218,814,740, C>T. VCF-style: chr2-218814740-C-T. GRCh37 (hg19) VCF-style: chr2-219679463-C-T.
Other names: short protein forms Q487*.
Identifiers: ClinVar variation 934497 (VCV000934497.7), dbSNP rs1943770060, ClinGen allele CA350595516.